The following is an entry in ClinVar:

NM_000748.3(CHRNB2):c.620C>G (p.Ala207Gly)

Gene: CHRNB2 (cholinergic receptor nicotinic beta 2 subunit; plus strand). Cytogenetic location: 1q21.3.
Variant type: single nucleotide variant.
Coding change: c.620C>G on transcript NM_000748.3 (MANE Select); coding-DNA position 620, C replaced by G.
Protein change: p.Ala207Gly; replaces alanine 207 with glycine.
Molecular consequence: missense variant.
Genome position (GRCh38, 1-based): chr1:154,571,443, C>G. VCF-style: chr1-154571443-C-G. GRCh37 (hg19) VCF-style: chr1-154543919-C-G.
Other names: p.A207G:GCG>GGG; short protein forms A207G.
Identifiers: ClinVar variation 205068 (VCV000205068.10), dbSNP rs201622476, ClinGen allele CA313653.

ClinVar aggregate classification (germline): Uncertain significance. Review status: criteria provided, multiple submitters, no conflicts (2 of 4 stars). 2 submissions from 2 submitters: Uncertain significance (2). Last evaluated 2024-11-25.

Conditions:
Familial sleep-related hypermotor epilepsy. Also called: Autosomal Dominant Sleep-Related Hypermotor (Hyperkinetic) Epilepsy. Identifiers: Orphanet 98784, MedGen C3696898, MONDO:0000030.

Submissions (2):

Labcorp Genetics (formerly Invitae), Labcorp
Classification: Uncertain significance. Last evaluated: 2024-11-25. Review status: criteria provided, single submitter. Criteria: Invitae Variant Classification Sherloc (09022015). Collection method: clinical testing. Allele origin: germline.
Comment: This sequence change replaces alanine, which is neutral and non-polar, with glycine, which is neutral and non-polar, at codon 207 of the CHRNB2 protein (p.Ala207Gly). This variant is not present in population databases (gnomAD no frequency). This variant has not been reported in the literature in individuals affected with CHRNB2-related conditions. ClinVar contains an entry for this variant (Variation ID: 205068). Invitae Evidence Modeling of protein sequence and biophysical properties (such as structural, functional, and spatial information, amino acid conservation, physicochemical variation, residue mobility, and thermodynamic stability) indicates that this missense variant is not expected to disrupt CHRNB2 protein function with a negative predictive value of 80%. In summary, the available evidence is currently insufficient to determine the role of this variant in disease. Therefore, it has been classified as a Variant of Uncertain Significance.

GeneDx
Classification: Uncertain significance. Last evaluated: 2014-12-18. Review status: criteria provided, single submitter. Criteria: GeneDx Variant Classification (06012015). Collection method: clinical testing. Allele origin: germline. Affected: yes.
Comment: p.Ala207Gly (GCG>GGG): c.620 C>G in exon 5 of the CHRNB2 gene (NM_000748.2). The A207G variant has not been published as a mutation, nor has it been reported as a benign polymorphism to our knowledge. It was not observed in approximately 6,500 individuals of European and African American ancestry in the NHLBI Exome Sequencing Project, indicating it is not a common benign variant in these populations. The A207G variant is a conservative amino acid substitution, which is not likely to impact secondary protein structure as these residues share similar properties. This amino acid substitution does not occur within the transmembrane region of the protein, where the vast majority of pathogenic missense mutations have been identified in association with epilepsy (Steinlein et al., 2010). However, this substitution occurs at a position that is conserved across species, and in silico analysis is inconsistent in its predictions as to whether or not the variant is damaging to the protein structure/function. Therefore, based on the currently available information, it is unclear whether this variant is a pathogenic mutation or a rare benign variant. The variant is found in EPILEPSYV2-1 panel(s).